The following is an entry in ClinVar:

ClinVar aggregate classification (germline): Uncertain significance (1 of 4 stars; one submission).

Conditions:
Inborn genetic diseases. Identifiers: MedGen C0950123, MeSH D030342.

gnomAD v4.1: 24 of 1,613,580 alleles (0.0015%); highest among the groups gnomAD compares: East Asian, 0.0022%; no homozygotes.

Submission:

Ambry Genetics
Classification: Uncertain significance for Inborn genetic diseases. Last evaluated: 2024-05-29. Review status: criteria provided, single submitter. Criteria: Ambry Variant Classification Scheme 2023. Collection method: clinical testing. Allele origin: germline.
Comment: The c.1874G>A (p.R625Q) alteration is located in exon 14 (coding exon 14) of the SPG7 gene. This alteration results from a G to A substitution at nucleotide position 1874, causing the arginine (R) at amino acid position 625 to be replaced by a glutamine (Q). Based on data from gnomAD, the A allele has an overall frequency of 0.001% (3/249986) total alleles studied. The highest observed frequency was 0.005% (1/18350) of East Asian alleles. This amino acid position is highly conserved in available vertebrate species. The in silico prediction for this alteration is inconclusive. Based on insufficient or conflicting evidence, the clinical significance of this alteration remains unclear.

NM_003119.4(SPG7):c.1874G>A (p.Arg625Gln)

Gene: SPG7 (SPG7 matrix AAA peptidase subunit, paraplegin; plus strand). Cytogenetic location: 16q24.3.
Variant type: single nucleotide variant.
Coding change: c.1874G>A on transcript NM_003119.4 (MANE Select); coding-DNA position 1874, G replaced by A.
Protein change: p.Arg625Gln; replaces arginine 625 with glutamine.
Molecular consequence: missense variant.
Genome position (GRCh38, 1-based): chr16:89,553,073, G>A. VCF-style: chr16-89553073-G-A. GRCh37 (hg19) VCF-style: chr16-89619481-G-A.
Other names: c.1874G>A, p.Arg625Gln (NM_001363850.1); short protein forms R625Q.
Identifiers: ClinVar variation 3322176 (VCV003322176.1).